The following is an entry in ClinVar:

ClinVar aggregate classification (germline): Pathogenic (1 of 4 stars; one submission).

Conditions:
DICER1-related tumor predisposition. Also called: DICER1 syndrome; DICER1-related pleuropulmonary blastoma cancer predisposition syndrome. Identifiers: Orphanet 284343, MedGen C3839822, MONDO:0100216.

Submission:

Labcorp Genetics (formerly Invitae), Labcorp
Classification: Pathogenic for DICER1-related tumor predisposition. Last evaluated: 2019-05-13. Review status: criteria provided, single submitter. Criteria: Invitae Variant Classification Sherloc (09022015). Collection method: clinical testing. Allele origin: germline.
Comment: This variant is not present in population databases (ExAC no frequency). For these reasons, this variant has been classified as Pathogenic. Loss-of-function variants in DICER1 are known to be pathogenic (PMID: 19556464, 21266384). This variant has not been reported in the literature in individuals with DICER1-related conditions. This sequence change creates a premature translational stop signal (p.Phe1745Cysfs*19) in the DICER1 gene. It is expected to result in an absent or disrupted protein product.

Literature cited by the submitters: PubMed 19556464; PubMed 21266384.

NM_177438.3(DICER1):c.5234_5235del (p.Phe1745fs)

Gene: DICER1 (dicer 1, ribonuclease III; minus strand). Cytogenetic location: 14q32.13.
Variant type: Deletion.
Coding change: c.5234_5235del on transcript NM_177438.3 (MANE Select); coding-DNA positions 5234 to 5235, 2 bases deleted (TT; older notation c.5234_5235delTT).
Protein change: p.Phe1745fs; shifts the reading frame from phenylalanine 1745.
Molecular consequence: frameshift variant.
Genome position (GRCh38, 1-based): chr14:95,094,017-95,094,018, AA deleted on the plus strand (TT on the coding strand, the reverse complement: DICER1 is on the minus strand); deleting any 2 consecutive bases within chr14:95,094,017-95,094,019 gives the same sequence; the c. name uses the placement nearest the transcript's 3' end. VCF-style (leftmost placement, unchanged base first): chr14-95094016-CAA-C. GRCh37 (hg19) VCF-style: chr14-95560353-CAA-C.
Other names: c.5234_5235del, p.Phe1745fs (NM_001195573.1, NM_001271282.3, NM_001291628.2 and 1 more transcripts); short protein forms F1745fs.
Identifiers: ClinVar variation 841359 (VCV000841359.9), dbSNP rs1131691199, ClinGen allele CA916081730.